The following is an entry in ClinVar:

ClinVar aggregate classification (germline): Uncertain significance (1 of 4 stars; one submission).

Conditions:
TH-deficient dopa-responsive dystonia. Also called: Tyrosine Hydroxylase-Deficient Dopa-Responsive Dystonia; Segawa syndrome, autosomal recessive; DYT-TH. Identifiers: Orphanet 101150, MedGen C2673535, MONDO:0011551, OMIM 605407.

gnomAD v4.1: 2 of 1,613,526 alleles (0.00012%); highest among the groups gnomAD compares: Non-Finnish European, 0.000085%; no homozygotes.

Submission:

Labcorp Genetics (formerly Invitae), Labcorp
Classification: Uncertain significance for TH-deficient dopa-responsive dystonia. Last evaluated: 2022-03-13. Review status: criteria provided, single submitter. Criteria: Invitae Variant Classification Sherloc (09022015). Collection method: clinical testing. Allele origin: germline.
Comment: This sequence change replaces valine, which is neutral and non-polar, with leucine, which is neutral and non-polar, at codon 131 of the TH protein (p.Val131Leu). This variant is not present in population databases (gnomAD no frequency). This variant has not been reported in the literature in individuals affected with TH-related conditions. Advanced modeling of protein sequence and biophysical properties (such as structural, functional, and spatial information, amino acid conservation, physicochemical variation, residue mobility, and thermodynamic stability) performed at Invitae indicates that this missense variant is not expected to disrupt TH protein function. In summary, the available evidence is currently insufficient to determine the role of this variant in disease. Therefore, it has been classified as a Variant of Uncertain Significance.

NM_000360.4(TH):c.298G>C (p.Val100Leu)

Gene: TH (tyrosine hydroxylase; minus strand). Cytogenetic location: 11p15.5.
Variant type: single nucleotide variant.
Coding change: c.298G>C on transcript NM_000360.4 (MANE Select); coding-DNA position 298, G replaced by C.
Protein change: p.Val100Leu; replaces valine 100 with leucine.
Molecular consequence: missense variant.
Genome position (GRCh38, 1-based): chr11:2,169,664, C>G on the plus strand (G>C on the coding strand, the complement: TH is on the minus strand). VCF-style: chr11-2169664-C-G. GRCh37 (hg19) VCF-style: chr11-2190894-C-G.
Other names: c.391G>C, p.Val131Leu (NM_199292.3); c.379G>C, p.Val127Leu (NM_199293.3); short protein forms V127L, V131L, V100L.
Identifiers: ClinVar variation 2153524 (VCV002153524.1), dbSNP rs1353856728, ClinGen allele CA379112149.